The following is an entry in ClinVar:

NM_001035.3(RYR2):c.1964T>C (p.Met655Thr)

Gene: RYR2 (ryanodine receptor 2; plus strand). Cytogenetic location: 1q43.
Variant type: single nucleotide variant.
Coding change: c.1964T>C on transcript NM_001035.3 (MANE Select); coding-DNA position 1964, T replaced by C.
Protein change: p.Met655Thr; replaces methionine 655 with threonine.
Molecular consequence: missense variant.
Genome position (GRCh38, 1-based): chr1:237,496,513, T>C. VCF-style: chr1-237496513-T-C. GRCh37 (hg19) VCF-style: chr1-237659813-T-C.
Other names: short protein forms M655T.
Identifiers: ClinVar variation 923520 (VCV000923520.4), dbSNP rs1664091907, ClinGen allele CA345391061.

ClinVar aggregate classification (germline): Uncertain significance. Review status: criteria provided, multiple submitters, no conflicts (2 of 4 stars). 2 submissions from 2 submitters: Uncertain significance (2). Last evaluated 2021-10-12.

Conditions:
Arrhythmogenic right ventricular dysplasia 2. Identifiers: MedGen C1832931.
Catecholaminergic polymorphic ventricular tachycardia 1. Also called: VENTRICULAR TACHYCARDIA, CATECHOLAMINERGIC POLYMORPHIC, 1, WITH OR WITHOUT ATRIAL DYSFUNCTION AND/OR DILATED CARDIOMYOPATHY; RYR2-Related Catecholaminergic Polymorphic Ventricular Tachycardia; VENTRICULAR TACHYCARDIA, STRESS-INDUCED POLYMORPHIC 1. Identifiers: Orphanet 3286, MedGen C1631597, MONDO:0011484, OMIM 604772.
Ventricular arrhythmias due to cardiac ryanodine receptor calcium release deficiency syndrome. Also called: Autosomal dominant cardiac arrhythmia (Kuhn). Identifiers: MedGen C5542154, MONDO:0020745, OMIM 115000.
Cardiomyopathy (CMYO). Also called: Cardiomyopathies. Identifiers: Orphanet 167848, MedGen C0878544, MONDO:0004994, HP:0001638. Inheritance: Various modes of inheritance.

Submissions (2):

Fulgent Genetics
Classification: Uncertain significance for Ventricular arrhythmias due to cardiac ryanodine receptor calcium release deficiency syndrome; Catecholaminergic polymorphic ventricular tachycardia 1. Last evaluated: 2021-10-12. Review status: criteria provided, single submitter. Criteria: ACMG Guidelines, 2015. Collection method: clinical testing. Allele origin: unknown.

Color Diagnostics, LLC DBA Color Health
Classification: Uncertain significance for Cardiomyopathy. Last evaluated: 2020-11-11. Review status: criteria provided, single submitter. Criteria: ACMG Guidelines, 2015. Collection method: clinical testing. Allele origin: germline.
Comment: This variant is located in the RYR2 protein. Computational prediction suggests that this variant may have deleterious impact on protein structure and function (internally defined REVEL score threshold >= 0.7, PMID: 27666373). To our knowledge, functional studies have not been reported for this variant. This variant has not been reported in individuals affected with cardiovascular disorders in the literature. This variant has not been identified in the general population by the Genome Aggregation Database (gnomAD). The available evidence is insufficient to determine the role of this variant in disease conclusively. Therefore, this variant is classified as a Variant of Uncertain Significance.